The following is an entry in ClinVar:

ClinVar aggregate classification (germline): Likely benign. Review status: criteria provided, multiple submitters, no conflicts (2 of 4 stars). 3 submissions from 3 submitters: Likely benign (3). Last evaluated 2025-10-02.

Allele frequency attached by ClinVar (database versions not stated): gnomAD 0.00001 and 0.00005; TOPMed 0.00003; gnomAD exomes 0.00008 and 0.00014; ExAC 0.00017.
gnomAD v4.1: 133 of 1,613,400 alleles (0.0082%); highest among the groups gnomAD compares: Middle Eastern, 0.099%; 2 homozygotes.

Submissions (3):

Labcorp Genetics (formerly Invitae), Labcorp
Classification: Likely benign. Last evaluated: 2025-10-02. Review status: criteria provided, single submitter. Criteria: Invitae Variant Classification Sherloc (09022015). Collection method: clinical testing. Allele origin: germline.

CeGaT Center for Human Genetics Tuebingen
Classification: Likely benign. Last evaluated: 2023-08-01. Review status: criteria provided, single submitter. Criteria: CeGaT Center For Human Genetics Tuebingen Variant Classification Criteria Version 2. Collection method: clinical testing. Allele origin: germline. Affected: yes. Observed: 2 variant alleles.
Comment: CACNA1B: BP4, BP7

Breakthrough Genomics
Classification: Likely benign. Review status: criteria provided, single submitter. Criteria: ACMG Guidelines, 2015. Collection method: not provided. Allele origin: germline. Inheritance: Autosomal recessive inheritance. Affected: yes.

NM_000718.4(CACNA1B):c.5118G>A (p.Val1706=)

Gene: CACNA1B (calcium voltage-gated channel subunit alpha1 B; plus strand). Cytogenetic location: 9q34.3.
Variant type: single nucleotide variant.
Coding change: c.5118G>A on transcript NM_000718.4 (MANE Select); coding-DNA position 5118, G replaced by A.
Protein change: p.Val1706=; no amino-acid change (valine 1706 retained).
Molecular consequence: synonymous variant.
Genome position (GRCh38, 1-based): chr9:138,096,507, G>A. VCF-style: chr9-138096507-G-A. GRCh37 (hg19) VCF-style: chr9-140990959-G-A.
Other names: c.5118G>A, p.Val1706= (NM_001243812.2).
Identifiers: ClinVar variation 1299166 (VCV001299166.40), dbSNP rs201951593, ClinGen allele CA5377260.
Genomic context (GRCh38, chr9:138,096,507, plus strand): 5'-TCTCTCTCCGTCACCTGTTCTCCTTCCTGTCCTGCAGATGTTGAACCTCTTTGTGGCTGT[G>A]ATCATGGACAATTTTGAGTACCTCACGCGGGACTCTTCCATCCTAGGTCCTCACCACTTG-3'
Protein context (NP_000709.1, residues 1696-1716): SFLMLNLFVA[Val1706=]IMDNFEYLTR